The following is an entry in ClinVar:

ClinVar aggregate classification (germline): Conflicting classifications of pathogenicity. Review status: criteria provided, conflicting classifications (1 of 4 stars). 3 submissions from 3 submitters: Uncertain significance (1); Likely benign (2). Last evaluated 2026-04-29.

Conditions:
Ehlers-Danlos syndrome, classic type, 1 (EDSCL1). Also called: EHLERS-DANLOS SYNDROME, GRAVIS TYPE; EHLERS-DANLOS SYNDROME, SEVERE CLASSIC TYPE; EDS I; Ehlers-Danlos Syndrome, Classic Type, COL5A1-Related; Ehlers-Danlos syndrome, type 1. Identifiers: MedGen C0268335, MONDO:0019567, OMIM 130000.
Osteogenesis imperfecta type I (OI1). Also called: OI, TYPE I; OSTEOGENESIS IMPERFECTA TARDA; OSTEOGENESIS IMPERFECTA WITH BLUE SCLERAE; Classic Non-deforming Osteogenesis Imperfecta with Blue Sclerae; Lobstein disease; Osteogenesis imperfecta type 1. Identifiers: Orphanet 216796, Orphanet 666, MedGen C0023931, MONDO:0008146, OMIM 166200. Disease mechanism: loss of function.
Cardiovascular phenotype. Identifiers: MedGen CN230736.

Allele frequency attached by ClinVar (database versions not stated): gnomAD exomes below 0.00001 and 0.00001; ExAC 0.00002.
gnomAD v4.1: 7 of 1,614,214 alleles (0.00043%); highest among the groups gnomAD compares: Non-Finnish European, 0.00059%; no homozygotes.

Submissions (3):

Ambry Genetics
Classification: Uncertain significance for Cardiovascular phenotype. Last evaluated: 2026-04-29. Review status: criteria provided, single submitter. Criteria: Ambry Variant Classification Scheme 2023. Collection method: clinical testing. Allele origin: germline.
Comment: The c.892-5C>T intronic variant results from a C to T substitution 5 nucleotides upstream from coding exon 18 in the COL1A2 gene. This nucleotide position is not well conserved in available vertebrate species. In silico splice site analysis predicts that this alteration will not have any significant effect on splicing. Based on the available evidence, the clinical significance of this variant remains unclear.

Labcorp Genetics (formerly Invitae), Labcorp
Classification: Likely benign for Osteogenesis imperfecta type I; Ehlers-Danlos syndrome, classic type, 1. Last evaluated: 2024-10-20. Review status: criteria provided, single submitter. Criteria: Invitae Variant Classification Sherloc (09022015). Collection method: clinical testing. Allele origin: germline.

GeneDx
Classification: Likely benign. Last evaluated: 2017-03-30. Review status: criteria provided, single submitter. Criteria: GeneDx Variant Classification (06012015). Collection method: clinical testing. Allele origin: germline. Affected: yes.
Comment: This variant is considered likely benign or benign based on one or more of the following criteria: it is a conservative change, it occurs at a poorly conserved position in the protein, it is predicted to be benign by multiple in silico algorithms, and/or has population frequency not consistent with disease.

NM_000089.4(COL1A2):c.892-5C>T

Gene: COL1A2 (collagen type I alpha 2 chain; plus strand). Cytogenetic location: 7q21.3.
Variant type: single nucleotide variant.
Coding change: c.892-5C>T on transcript NM_000089.4 (MANE Select); 5 bases into the intron before coding-DNA position 892, C replaced by T.
Molecular consequence: intron variant.
Genome position (GRCh38, 1-based): chr7:94,409,559, C>T. VCF-style: chr7-94409559-C-T. GRCh37 (hg19) VCF-style: chr7-94038871-C-T.
Identifiers: ClinVar variation 508443 (VCV000508443.10), dbSNP rs778088746, ClinGen allele CA4346867.
Genomic context (GRCh38, chr7:94,409,559, plus strand): 5'-GGGGTCAAAGAAGAACCGAAATATTCCAATTAACTGATATCCTTCTCCTTTCCTTTTCCT[C>T]ATAGGGTAATCCTGGAGCAAACGGCCTTACTGGTGCCAAGGGTGCTGCTGTGAGTATACC-3'